The following is an entry in ClinVar:

NM_001127511.3(APC):c.165+29190C>T

Gene: APC (APC regulator of Wnt signaling pathway; plus strand). Cytogenetic location: 5q22.2.
Variant type: single nucleotide variant.
Coding change: c.165+29190C>T on transcript NM_001127511.3; 29190 bases into the intron after coding-DNA position 165, C replaced by T.
Molecular consequence: intron variant.
Genome position (GRCh38, 1-based): chr5:112,737,072, C>T. VCF-style: chr5-112737072-C-T. GRCh37 (hg19) VCF-style: chr5-112072769-C-T.
Other names: c.-18-17801C>T (NM_001407448.1, NM_001407450.1, NM_001407457.1 and 7 more transcripts); c.-42-29254C>T (NM_001407453.1); c.-1053-17801C>T (NM_001407470.1, NM_001407472.1); c.165+29190C>T (NM_001407446.1, NM_001354897.2, NM_001354902.2).
Identifiers: ClinVar variation 3053303 (VCV003053303.2), dbSNP rs1161650598, ClinGen allele CA561895642.

ClinVar aggregate classification (germline): Likely benign (0 of 4 stars; one submission).

Conditions:
APC-related disorder. Also called: APC-related condition.

Allele frequency attached by ClinVar (database versions not stated): TOPMed below 0.00001.

Submission:

PreventionGenetics, part of Exact Sciences
Classification: Likely benign for APC-related condition. Last evaluated: 2022-12-09. Review status: no assertion criteria provided. Collection method: clinical testing. Allele origin: germline.
Comment: This variant is classified as likely benign based on ACMG/AMP sequence variant interpretation guidelines (Richards et al. 2015 PMID: 25741868, with internal and published modifications).